The following is an entry in ClinVar:

NM_000143.4(FH):c.1387A>G (p.Ile463Val)

Gene: FH (fumarate hydratase; minus strand). Cytogenetic location: 1q43.
Variant type: single nucleotide variant.
Coding change: c.1387A>G on transcript NM_000143.4 (MANE Select); coding-DNA position 1387, A replaced by G.
Protein change: p.Ile463Val; replaces isoleucine 463 with valine.
Molecular consequence: missense variant.
Genome position (GRCh38, 1-based): chr1:241,500,440, T>C on the plus strand (A>G on the coding strand, the complement: FH is on the minus strand). VCF-style: chr1-241500440-T-C. GRCh37 (hg19) VCF-style: chr1-241663740-T-C.
Other names: short protein forms I463V.
Identifiers: ClinVar variation 3278737 (VCV003278737.1).

ClinVar aggregate classification (germline): Uncertain significance (1 of 4 stars; one submission).

Conditions:
Hereditary cancer-predisposing syndrome. Also called: Tumor predisposition; Hereditary Cancer Syndrome; Hereditary neoplastic syndrome; Neoplastic Syndromes, Hereditary. Identifiers: Orphanet 140162, MedGen C0027672, MeSH D009386, MONDO:0015356.

Submission:

Ambry Genetics
Classification: Uncertain significance for Hereditary cancer-predisposing syndrome. Last evaluated: 2024-04-20. Review status: criteria provided, single submitter. Criteria: Ambry Variant Classification Scheme 2023. Collection method: clinical testing. Allele origin: germline.
Comment: The p.I463V variant (also known as c.1387A>G), located in coding exon 9 of the FH gene, results from an A to G substitution at nucleotide position 1387. The isoleucine at codon 463 is replaced by valine, an amino acid with highly similar properties. This amino acid position is conserved. In addition, the in silico prediction for this alteration is inconclusive. Based on the available evidence, the clinical significance of this variant remains unclear.